The following is an entry in ClinVar:

ClinVar aggregate classification (germline): Likely pathogenic. Review status: criteria provided, single submitter (1 of 4 stars). 2 submissions from 2 submitters: Likely pathogenic (1). 1 of the submissions does not count toward it. Last evaluated 2026-01-01.

Conditions:
CAMK2D-related disorder.
Neurodevelopmental disorder. Identifiers: MedGen C1535926, MeSH D065886, MONDO:0700092.

Allele frequency attached by ClinVar (database versions not stated): gnomAD exomes below 0.00001.
gnomAD v4.1: 1 of 1,581,884 alleles (0.000063%); highest among the groups gnomAD compares: African/African-American, 0.0013%; no homozygotes.

Submissions (2):

3billion
Classification: Likely pathogenic for CAMK2D-related disorder. Last evaluated: 2026-01-01. Review status: criteria provided, single submitter. Criteria: ACMG Guidelines, 2015. Collection method: clinical testing. Allele origin: germline. Affected: yes.
Comment: The variant is observed at an extremely low frequency in the gnomAD v4.1.0 dataset (total allele frequency: <0.001%). Predicted Consequence/Location: Missense variant. Missense changes are a common disease-causing mechanism. Damaging effect on gene or gene product predicted by in silico programs is uncertain [REVEL: 0.31 (damaging >=0.6, benign <0.4), 3Cnet: 0.22 (damaging >0.75, benign <0.1)]. The same nucleotide change resulting in the same amino acid change has been previously reported to be associated with CAMK2D-related disorder (ClinVar ID: VCV001343375 /PMID: 38272033).The variant has been previously reported as de novo in a similarly affected individual (PMID: 38272033). Therefore, this variant is classified as Likely pathogenic according to the recommendation of ACMG/AMP guideline.

Laboratory of Molecular Genetics (Pr. Bezieau's lab), CHU de Nantes
Classification: Pathogenic for Neurodevelopmental disorder. Last evaluated: 2022-03-07. Review status: no assertion criteria provided. Collection method: research. Allele origin: de novo. Affected: yes. Not counted in ClinVar's aggregate classification.

Literature cited by the submitters: PubMed 38272033 (cited by 3billion).

NM_001321571.2(CAMK2D):c.236G>A (p.Ser79Asn)

Gene: CAMK2D (calcium/calmodulin dependent protein kinase II delta; minus strand). Cytogenetic location: 4q26.
Variant type: single nucleotide variant.
Coding change: c.236G>A on transcript NM_001321571.2 (MANE Select); coding-DNA position 236, G replaced by A.
Protein change: p.Ser79Asn; replaces serine 79 with asparagine.
Molecular consequence: missense variant. On other transcripts: 5 prime UTR variant (2).
Genome position (GRCh38, 1-based): chr4:113,609,191, C>T on the plus strand (G>A on the coding strand, the complement: CAMK2D is on the minus strand). VCF-style: chr4-113609191-C-T. GRCh37 (hg19) VCF-style: chr4-114530347-C-T.
Other names: c.236G>A, p.Ser79Asn (NM_001221.4, NM_001321566.2, NM_001321567.2 and 25 more transcripts); c.-280G>A (NM_001321578.2); c.119G>A, p.Ser40Asn (NM_001321581.2); c.-353G>A (NM_001321585.2); short protein forms S40N, S79N.
Identifiers: ClinVar variation 1343375 (VCV001343375.2), dbSNP rs2515933527, ClinGen allele CA357994261.
Genomic context (GRCh38, chr4:113,609,191, plus strand): 5'-GAATACAGAGTATATACTTACAAATCAAACACCAAGTAGTGAAAGCCCTCTTCTGATATG[C>T]TATCATGAAGTCGCACTAGAAAAAAATAAGAGAAGAAAAATTGTGTTATACCTATTCCAA-3'
Protein context (NP_001308500.1, residues 69-89): KHPNIVRLHD[Ser79Asn]ISEEGFHYLV